The following is an entry in ClinVar:

ClinVar aggregate classification (germline): Uncertain significance (1 of 4 stars; one submission).

Conditions:
RYR1-related disorder. Also called: RYR1-related condition; RYR1-related disorders. Identifiers: MedGen CN239331.

gnomAD v4.1: 2 of 1,613,986 alleles (0.00012%); highest among the groups gnomAD compares: Non-Finnish European, 0.00017%; no homozygotes.

Submission:

Labcorp Genetics (formerly Invitae), Labcorp
Classification: Uncertain significance for RYR1-related disorder. Last evaluated: 2025-05-19. Review status: criteria provided, single submitter. Criteria: Invitae Variant Classification Sherloc (09022015). Collection method: clinical testing. Allele origin: germline.
Comment: This sequence change replaces serine, which is neutral and polar, with cysteine, which is neutral and slightly polar, at codon 1278 of the RYR1 protein (p.Ser1278Cys). This variant is not present in population databases (gnomAD no frequency). This variant has not been reported in the literature in individuals affected with RYR1-related conditions. Invitae Evidence Modeling of protein sequence and biophysical properties (such as structural, functional, and spatial information, amino acid conservation, physicochemical variation, residue mobility, and thermodynamic stability) has been performed for this missense variant. However, the output from this modeling did not meet the statistical confidence thresholds required to predict the impact of this variant on RYR1 protein function. In summary, the available evidence is currently insufficient to determine the role of this variant in disease. Therefore, it has been classified as a Variant of Uncertain Significance.

NM_000540.3(RYR1):c.3833C>G (p.Ser1278Cys)

Gene: RYR1 (ryanodine receptor 1; plus strand). Cytogenetic location: 19q13.2.
Variant type: single nucleotide variant.
Coding change: c.3833C>G on transcript NM_000540.3 (MANE Select); coding-DNA position 3833, C replaced by G.
Protein change: p.Ser1278Cys; replaces serine 1278 with cysteine.
Molecular consequence: missense variant.
Genome position (GRCh38, 1-based): chr19:38,473,444, C>G. VCF-style: chr19-38473444-C-G. GRCh37 (hg19) VCF-style: chr19-38964084-C-G.
Other names: c.3833C>G, p.Ser1278Cys (NM_001042723.2); short protein forms S1278C.
Identifiers: ClinVar variation 4693580 (VCV004693580.1).